The following is an entry in ClinVar:

ClinVar aggregate classification (germline): Conflicting classifications of pathogenicity. Review status: criteria provided, conflicting classifications (1 of 4 stars). 2 submissions from 2 submitters: Uncertain significance (1); Likely benign (1). Last evaluated 2024-12-26.

Conditions:
CHARGE syndrome (CHARGE). Also called: Hittner Hirsch Kreh syndrome; CHARGE ASSOCIATION--COLOBOMA, HEART ANOMALY, CHOANAL ATRESIA, RETARDATION, GENITAL AND EAR ANOMALIES; Coloboma, heart anomaly, choanal atresia, retardation, genital and ear anomalies; CHARGE association; Hall-Hittner syndrome. Identifiers: Orphanet 138, MedGen C0265354, MONDO:0008965.

gnomAD v4.1: 2 of 1,613,654 alleles (0.00012%); highest among the groups gnomAD compares: African/African-American, 0.0027%; no homozygotes.

Submissions (2):

Labcorp Genetics (formerly Invitae), Labcorp
Classification: Likely benign for CHARGE syndrome. Last evaluated: 2024-12-26. Review status: criteria provided, single submitter. Criteria: Invitae Variant Classification Sherloc (09022015). Collection method: clinical testing. Allele origin: germline.

GeneDx
Classification: Uncertain significance. Last evaluated: 2024-10-03. Review status: criteria provided, single submitter. Criteria: GeneDx Variant Classification Process June 2021. Collection method: clinical testing. Allele origin: germline. Affected: yes.
Comment: Not observed at significant frequency in large population cohorts (gnomAD); In silico analysis indicates that this variant does not alter splicing; Has not been previously published as pathogenic or benign to our knowledge

NM_017780.4(CHD7):c.6816C>T (p.Ser2272=)

Gene: CHD7 (chromodomain helicase DNA binding protein 7; plus strand). Cytogenetic location: 8q12.2.
Variant type: single nucleotide variant.
Coding change: c.6816C>T on transcript NM_017780.4 (MANE Select); coding-DNA position 6816, C replaced by T.
Protein change: p.Ser2272=; no amino-acid change (serine 2272 retained).
Molecular consequence: synonymous variant. On other transcripts: intron variant (1).
Genome position (GRCh38, 1-based): chr8:60,854,403, C>T. VCF-style: chr8-60854403-C-T. GRCh37 (hg19) VCF-style: chr8-61766962-C-T.
Other names: c.1717-7826C>T (NM_001316690.1).
Identifiers: ClinVar variation 3606216 (VCV003606216.3).